The following is an entry in ClinVar:

NM_001165963.4(SCN1A):c.1641G>C (p.Lys547Asn)

Gene: SCN1A (sodium voltage-gated channel alpha subunit 1; minus strand). Cytogenetic location: 2q24.3.
Variant type: single nucleotide variant.
Coding change: c.1641G>C on transcript NM_001165963.4 (MANE Select); coding-DNA position 1641, G replaced by C.
Protein change: p.Lys547Asn; replaces lysine 547 with asparagine.
Molecular consequence: missense variant. On other transcripts: 5 prime UTR variant (1), non-coding transcript variant (1).
Genome position (GRCh38, 1-based): chr2:166,045,064, C>G on the plus strand (G>C on the coding strand, the complement: SCN1A is on the minus strand). VCF-style: chr2-166045064-C-G. GRCh37 (hg19) VCF-style: chr2-166901574-C-G.
Other names: c.1641G>C, p.Lys547Asn (NM_001165964.3, NM_001202435.3, NM_001353948.2 and 7 more transcripts); c.1638G>C, p.Lys546Asn (NM_001353954.2, NM_001353955.2, NM_001353960.2); c.-785G>C (NM_001353961.2); short protein forms K546N, K547N.
Identifiers: ClinVar variation 4687097 (VCV004687097.1).

ClinVar aggregate classification (germline): Uncertain significance (1 of 4 stars; one submission).

Submission:

GeneDx
Classification: Uncertain significance. Last evaluated: 2025-07-26. Review status: criteria provided, single submitter. Criteria: GeneDx Variant Classification Process June 2021. Collection method: clinical testing. Allele origin: germline. Affected: yes.
Comment: Not observed at significant frequency in large population cohorts (gnomAD); In silico analysis supports a deleterious effect on splicing; In silico analysis supports that this missense variant has a deleterious effect on protein structure/function; This substitution is predicted to be within the cytoplasmic loop between the first and second homologous domains; Has not been previously published as pathogenic or benign to our knowledge